The following is an entry in ClinVar:

ClinVar aggregate classification (germline): Likely benign. Review status: criteria provided, single submitter (1 of 4 stars). 2 submissions from 2 submitters: Likely benign (1). 1 of the submissions does not count toward it. Last evaluated 2025-10-14.

Conditions:
KSR2-related disorder. Also called: KSR2-related condition.

gnomAD v4.1: 46 of 1,608,286 alleles (0.0029%); highest among the groups gnomAD compares: Admixed American, 0.049%; no homozygotes.

Submissions (2):

Labcorp Genetics (formerly Invitae), Labcorp
Classification: Likely benign. Last evaluated: 2025-10-14. Review status: criteria provided, single submitter. Criteria: Invitae Variant Classification Sherloc (09022015). Collection method: clinical testing. Allele origin: germline.

PreventionGenetics, part of Exact Sciences
Classification: Likely benign for KSR2-related condition. Last evaluated: 2019-10-17. Review status: no assertion criteria provided. Collection method: clinical testing. Allele origin: germline. Not counted in ClinVar's aggregate classification.
Comment: This variant is classified as likely benign based on ACMG/AMP sequence variant interpretation guidelines (Richards et al. 2015 PMID: 25741868, with internal and published modifications).

NM_173598.6(KSR2):c.1605C>A (p.Pro535=)

Gene: KSR2 (kinase suppressor of ras 2; minus strand). Cytogenetic location: 12q24.22.
Variant type: single nucleotide variant.
Coding change: c.1605C>A on transcript NM_173598.6 (MANE Select); coding-DNA position 1605, C replaced by A.
Protein change: p.Pro535=; no amino-acid change (proline 535 retained).
Molecular consequence: synonymous variant.
Genome position (GRCh38, 1-based): chr12:117,539,801, G>T on the plus strand (C>A on the coding strand, the complement: KSR2 is on the minus strand). VCF-style: chr12-117539801-G-T. GRCh37 (hg19) VCF-style: chr12-117977606-G-T.
Other names: c.1518C>A (NM_173598.4).
Identifiers: ClinVar variation 1646486 (VCV001646486.10), dbSNP rs56143626, ClinGen allele CA6815984.